The following is an entry in ClinVar:

NM_003380.5(VIM):c.134G>A (p.Arg45His)

Genes: VIM (vimentin; plus strand), VIM-AS1 (VIM antisense RNA 1; minus strand). Cytogenetic location: 10p13.
Variant type: single nucleotide variant.
Coding change: c.134G>A on transcript NM_003380.5 (MANE Select); coding-DNA position 134, G replaced by A.
Protein change: p.Arg45His; replaces arginine 45 with histidine.
Molecular consequence: missense variant. On other transcripts: non-coding transcript variant (1).
Genome position (GRCh38, 1-based): chr10:17,229,556, G>A. VCF-style: chr10-17229556-G-A. GRCh37 (hg19) VCF-style: chr10-17271555-G-A.
Other names: c.134G>A (NM_003380.3); short protein forms R45H.
Identifiers: ClinVar variation 1353044 (VCV001353044.7), dbSNP rs778098458, ClinGen allele CA5426356.

ClinVar aggregate classification (germline): Uncertain significance. Review status: criteria provided, multiple submitters, no conflicts (2 of 4 stars). 2 submissions from 2 submitters: Uncertain significance (2). Last evaluated 2025-01-14.

Conditions:
Cataract 30 (CTRCT30). Also called: CATARACT 30, PULVERULENT. Identifiers: Orphanet 91492, Orphanet 98984, Orphanet 98992, MedGen C3805411, MONDO:0007286, OMIM 116300.

Allele frequency attached by ClinVar (database versions not stated): gnomAD exomes 0.00001.
gnomAD v4.1: 3 of 1,607,132 alleles (0.00019%); highest among the groups gnomAD compares: Admixed American, 0.005%; no homozygotes.

Submissions (2):

Ambry Genetics
Classification: Uncertain significance. Last evaluated: 2025-01-14. Review status: criteria provided, single submitter. Criteria: Ambry Variant Classification Scheme 2023. Collection method: clinical testing. Allele origin: germline.

Labcorp Genetics (formerly Invitae), Labcorp
Classification: Uncertain significance for Cataract 30. Last evaluated: 2024-02-23. Review status: criteria provided, single submitter. Criteria: Invitae Variant Classification Sherloc (09022015). Collection method: clinical testing. Allele origin: germline.
Comment: This sequence change replaces arginine, which is basic and polar, with histidine, which is basic and polar, at codon 45 of the VIM protein (p.Arg45His). This variant is present in population databases (rs778098458, gnomAD 0.009%). This variant has not been reported in the literature in individuals affected with VIM-related conditions. ClinVar contains an entry for this variant (Variation ID: 1353044). An algorithm developed to predict the effect of missense changes on protein structure and function (PolyPhen-2) suggests that this variant is likely to be disruptive. In summary, the available evidence is currently insufficient to determine the role of this variant in disease. Therefore, it has been classified as a Variant of Uncertain Significance.